The following is an entry in ClinVar:

ClinVar aggregate classification (germline): Uncertain significance (1 of 4 stars; one submission).

Conditions:
Neurofibromatosis, type 1 (NF1). Also called: Peripheral type neurofibromatosis; VON RECKLINGHAUSEN DISEASE; Neurofibromatosis, type I; NEUROFIBROMATOSIS, TYPE I, SOMATIC. Identifiers: Orphanet 636, MedGen C0027831, MONDO:0018975, OMIM 162200. Disease mechanism: loss of function.

Submission:

Labcorp Genetics (formerly Invitae), Labcorp
Classification: Uncertain significance for Neurofibromatosis, type 1. Last evaluated: 2024-02-27. Review status: criteria provided, single submitter. Criteria: Invitae Variant Classification Sherloc (09022015). Collection method: clinical testing. Allele origin: germline.
Comment: This sequence change falls in intron 13 of the NF1 gene. It does not directly change the encoded amino acid sequence of the NF1 protein. It affects a nucleotide within the consensus splice site. This variant is not present in population databases (gnomAD no frequency). This variant has been observed in individual(s) with neurofibromatosis type 1 (Invitae). Variants that disrupt the consensus splice site are a relatively common cause of aberrant splicing (PMID: 17576681, 9536098). Algorithms developed to predict the effect of sequence changes on RNA splicing suggest that this variant is not likely to affect RNA splicing. In summary, the available evidence is currently insufficient to determine the role of this variant in disease. Therefore, it has been classified as a Variant of Uncertain Significance.

Literature cited by the submitters: PubMed 17576681; PubMed 9536098.

NC_000017.11:g.31214584GT[3]

Gene: NF1 (neurofibromin 1; plus strand). Cytogenetic location: 17q11.2.
Variant type: Microsatellite.
Genome position: GRCh38 VCF-style: chr17-31214582-T-TTG. GRCh37 (hg19) VCF-style: chr17-29541600-T-TTG.
Identifiers: ClinVar variation 3643562 (VCV003643562.2).
Genomic context (GRCh38, chr17:31,214,582, plus strand): 5'-CTATAAGTATCTTCTCTTGTCCATGGTGAAACTAATTCATGCAGATCCAAAGCTCTTGCT[T>TTG]TGTGTAAGTATTTTTTTATGAAATGTCTCAAAATTATCACACTAAGTTAATTGGGTTTAG-3'